The following is an entry in ClinVar:

ClinVar aggregate classification (germline): Uncertain significance. Review status: criteria provided, multiple submitters, no conflicts (2 of 4 stars). 2 submissions from 2 submitters: Uncertain significance (2). Last evaluated 2023-12-07.

Conditions:
Aspartylglucosaminuria (AGU). Also called: Aspartylglucos-aminuria; Aspartylglucos-amidase (AGA) deficiency; AGA DEFICIENCY; GLYCOASPARAGINASE; GLYCOSYLASPARAGINASE DEFICIENCY. Identifiers: Orphanet 93, MedGen C0268225, MONDO:0008830, OMIM 208400, HP:0012068.

gnomAD v4.1: 18 of 1,614,130 alleles (0.0011%); highest among the groups gnomAD compares: Admixed American, 0.0067%; no homozygotes.

Submissions (2):

Labcorp Genetics (formerly Invitae), Labcorp
Classification: Uncertain significance for Aspartylglucosaminuria. Last evaluated: 2023-12-07. Review status: criteria provided, single submitter. Criteria: Invitae Variant Classification Sherloc (09022015). Collection method: clinical testing. Allele origin: germline.
Comment: This sequence change replaces phenylalanine, which is neutral and non-polar, with cysteine, which is neutral and slightly polar, at codon 301 of the AGA protein (p.Phe301Cys). This variant is present in population databases (rs35916166, gnomAD 0.009%). This variant has not been reported in the literature in individuals affected with AGA-related conditions. ClinVar contains an entry for this variant (Variation ID: 809706). Advanced modeling of protein sequence and biophysical properties (such as structural, functional, and spatial information, amino acid conservation, physicochemical variation, residue mobility, and thermodynamic stability) performed at Invitae indicates that this missense variant is not expected to disrupt AGA protein function with a negative predictive value of 80%. In summary, the available evidence is currently insufficient to determine the role of this variant in disease. Therefore, it has been classified as a Variant of Uncertain Significance.

CeGaT Center for Human Genetics Tuebingen
Classification: Uncertain significance. Last evaluated: 2016-05-01. Review status: criteria provided, single submitter. Criteria: CeGaT Center For Human Genetics Tuebingen Variant Classification Criteria Version 2. Collection method: clinical testing. Allele origin: germline. Affected: yes. Observed: 1 variant allele.

NM_000027.4(AGA):c.902T>G (p.Phe301Cys)

Gene: AGA (aspartylglucosaminidase; minus strand). Cytogenetic location: 4q34.3.
Variant type: single nucleotide variant.
Coding change: c.902T>G on transcript NM_000027.4 (MANE Select); coding-DNA position 902, T replaced by G.
Protein change: p.Phe301Cys; replaces phenylalanine 301 with cysteine.
Molecular consequence: missense variant. On other transcripts: non-coding transcript variant (1).
Genome position (GRCh38, 1-based): chr4:177,433,252, A>C on the plus strand (T>G on the coding strand, the complement: AGA is on the minus strand). VCF-style: chr4-177433252-A-C. GRCh37 (hg19) VCF-style: chr4-178354406-A-C.
Other names: c.872T>G, p.Phe291Cys (NM_001171988.2); short protein forms F291C, F301C.
Identifiers: ClinVar variation 809706 (VCV000809706.45), dbSNP rs35916166, ClinGen allele CA3146763.